The following is an entry in ClinVar:

ClinVar aggregate classification (germline): Benign/Likely benign. Review status: criteria provided, multiple submitters, no conflicts (2 of 4 stars). 15 submissions from 12 submitters: Benign (4); Likely benign (10). 1 of the submissions does not count toward it. Last evaluated 2026-07-01.

Conditions:
Congenital myopathy 18. Also called: DIHYDROPYRIDINE RECEPTOR CONGENITAL MYOPATHY; DHPR CONGENITAL MYOPATHY; Myopathy, congenital, due to dihydropyridine receptor defect. Identifiers: MedGen C5830283, MONDO:0859514, OMIM 620246.
Malignant hyperthermia, susceptibility to, 5 (MHS5). Also called: CACNA1S-Related Malignant Hyperthermia Susceptibility. Identifiers: Orphanet 423, MedGen C1866077, MONDO:0011163, OMIM 601887.
Hypokalemic periodic paralysis, type 1. Also called: Hypokalemic Periodic Paralysis Type 1 (AD); HypoPP. Identifiers: Orphanet 681, MedGen C3714580, MONDO:0042979, OMIM 170400.
Inborn genetic diseases. Identifiers: MedGen C0950123, MeSH D030342.
Thyrotoxic periodic paralysis, susceptibility to, 1 (TTPP1). Identifiers: Orphanet 79102, MedGen C2749982, MONDO:0008570, OMIM 188580.
Hereditary liability to pressure palsies (HNPP). Also called: POLYNEUROPATHY, FAMILIAL RECURRENT; TOMACULOUS NEUROPATHY; Hereditary Neuropathy with Liability to Pressure Palsies. Identifiers: Orphanet 640, MedGen C0393814, MONDO:0008087, OMIM 162500.

Allele frequency attached by ClinVar (database versions not stated): 1000 Genomes Project 0.00020; 1000 Genomes Project 30x 0.00031; gnomAD 0.00097 and 0.00098; TOPMed 0.00100; gnomAD exomes 0.00115 and 0.00151; ExAC 0.00119; ESP Exome Variant Server 0.00146.
gnomAD v4.1: 2,339 of 1,614,232 alleles (0.14%); highest among the groups gnomAD compares: Non-Finnish European, 0.18%; 3 homozygotes.

Submissions (15):

Ambry Genetics
Classification: Likely benign for Inborn genetic diseases. Last evaluated: 2026-07-01. Review status: criteria provided, single submitter. Criteria: Ambry Variant Classification Scheme 2023. Collection method: clinical testing. Allele origin: germline.

Labcorp Genetics (formerly Invitae), Labcorp
Classification: Benign for Hypokalemic periodic paralysis, type 1; Malignant hyperthermia, susceptibility to, 5. Last evaluated: 2026-02-02. Review status: criteria provided, single submitter. Criteria: Invitae Variant Classification Sherloc (09022015). Collection method: clinical testing. Allele origin: germline.

CeGaT Center for Human Genetics Tuebingen
Classification: Likely benign. Last evaluated: 2026-02-01. Review status: criteria provided, single submitter. Criteria: CeGaT Center For Human Genetics Tuebingen Variant Classification Criteria Version 2. Collection method: clinical testing. Allele origin: germline. Affected: yes. Observed: 5 variant alleles.
Comment: CACNA1S: BP4, BP7

Mayo Clinic Laboratories, Mayo Clinic
Classification: Likely benign. Last evaluated: 2025-07-21. Review status: criteria provided, single submitter. Criteria: ACMG Guidelines, 2015. Collection method: clinical testing. Allele origin: germline. Observed: 2 variant alleles.
Comment: BP4, BP7

Blueprint Genetics
Classification: Likely benign. Last evaluated: 2024-09-14. Review status: criteria provided, single submitter. Criteria: ACMG Guidelines, 2015. Collection method: clinical testing. Allele origin: germline.

Genome-Nilou Lab
Classification: Likely benign for Malignant hyperthermia, susceptibility to, 5. Last evaluated: 2023-04-11. Review status: criteria provided, single submitter. Criteria: ACMG Guidelines, 2015. Collection method: clinical testing. Allele origin: germline. Affected: no.

Genome-Nilou Lab
Classification: Likely benign for Thyrotoxic periodic paralysis, susceptibility to, 1. Last evaluated: 2023-04-11. Review status: criteria provided, single submitter. Criteria: ACMG Guidelines, 2015. Collection method: clinical testing. Allele origin: germline. Affected: no.

Genome-Nilou Lab
Classification: Likely benign for Congenital myopathy 18. Last evaluated: 2023-04-11. Review status: criteria provided, single submitter. Criteria: ACMG Guidelines, 2015. Collection method: clinical testing. Allele origin: germline. Affected: no.

Genome-Nilou Lab
Classification: Likely benign for Hypokalemic periodic paralysis, type 1. Last evaluated: 2023-04-11. Review status: criteria provided, single submitter. Criteria: ACMG Guidelines, 2015. Collection method: clinical testing. Allele origin: germline. Affected: no.

Color Diagnostics, LLC DBA Color Health
Classification: Benign for Malignant hyperthermia, susceptibility to, 5. Last evaluated: 2022-10-11. Review status: criteria provided, single submitter. Criteria: ACMG Guidelines, 2015. Collection method: clinical testing. Allele origin: germline.

GeneDx
Classification: Likely benign. Last evaluated: 2020-12-24. Review status: criteria provided, single submitter. Criteria: GeneDx Variant Classification Process June 2021. Collection method: clinical testing. Allele origin: germline. Affected: yes.

Athena Diagnostics
Classification: Benign. Last evaluated: 2019-03-04. Review status: criteria provided, single submitter. Criteria: Athena Diagnostics Criteria. Collection method: clinical testing. Allele origin: germline.

Illumina Laboratory Services, Illumina
Classification: Benign for Hypokalemic periodic paralysis, type 1. Last evaluated: 2018-01-12. Review status: criteria provided, single submitter. Criteria: ICSL Variant Classification Criteria 13 December 2019. Collection method: clinical testing. Allele origin: germline.
Comment: This variant was observed in the ICSL laboratory as part of a predisposition screen in an ostensibly healthy population. It had not been previously curated by ICSL or reported in the Human Gene Mutation Database (HGMD: prior to June 1st, 2018), and was therefore a candidate for classification through an automated scoring system. Utilizing variant allele frequency, disease prevalence and penetrance estimates, and inheritance mode, an automated score was calculated to assess if this variant is too frequent to cause the disease. Based on the score and internal cut-off values, a variant classified as benign is not then subjected to further curation. The score for this variant resulted in a classification of benign for this disease.

PreventionGenetics, part of Exact Sciences
Classification: Likely benign. Review status: criteria provided, single submitter. Criteria: ACMG Guidelines, 2015. Collection method: clinical testing. Allele origin: germline.

Molecular Genetics Laboratory, BC Children's and BC Women's Hospitals
Classification: Likely benign for hereditary neuropathy with liability to pressure palsies. Last evaluated: 2019-12-13. Review status: no assertion criteria provided. Criteria: ACMG Guidelines, 2015. Collection method: clinical testing. Allele origin: germline. Affected: yes. Not counted in ClinVar's aggregate classification.

NM_000069.3(CACNA1S):c.1452C>T (p.Tyr484=)

Gene: CACNA1S (calcium voltage-gated channel subunit alpha1 S; minus strand). Cytogenetic location: 1q32.1.
Variant type: single nucleotide variant.
Coding change: c.1452C>T on transcript NM_000069.3 (MANE Select); coding-DNA position 1452, C replaced by T.
Protein change: p.Tyr484=; no amino-acid change (tyrosine 484 retained).
Molecular consequence: synonymous variant.
Genome position (GRCh38, 1-based): chr1:201,078,046, G>A on the plus strand (C>T on the coding strand, the complement: CACNA1S is on the minus strand). VCF-style: chr1-201078046-G-A. GRCh37 (hg19) VCF-style: chr1-201047174-G-A.
Other names: p.Tyr484=.
Identifiers: ClinVar variation 254793 (VCV000254793.63), dbSNP rs144206959, ClinGen allele CA078240.